The following is an entry in ClinVar:

NM_001134363.3(RBM20):c.43G>A (p.Gly15Ser)

Gene: RBM20 (RNA binding motif protein 20; plus strand). Cytogenetic location: 10q25.2.
Variant type: single nucleotide variant.
Coding change: c.43G>A on transcript NM_001134363.3 (MANE Select); coding-DNA position 43, G replaced by A.
Protein change: p.Gly15Ser; replaces glycine 15 with serine.
Molecular consequence: missense variant.
Genome position (GRCh38, 1-based): chr10:110,644,497, G>A. VCF-style: chr10-110644497-G-A. GRCh37 (hg19) VCF-style: chr10-112404255-G-A.
Other names: c.43G>A (NM_001134363.1); short protein forms G15S.
Identifiers: ClinVar variation 470616 (VCV000470616.9), dbSNP rs559040957, ClinGen allele CA378527389.

ClinVar aggregate classification (germline): Uncertain significance. Review status: criteria provided, multiple submitters, no conflicts (2 of 4 stars). 2 submissions from 2 submitters: Uncertain significance (2). Last evaluated 2024-01-27.

Conditions:
Dilated cardiomyopathy 1DD (CMD1DD). Identifiers: Orphanet 154, MedGen C2750995, MONDO:0013168, OMIM 613172.
Cardiovascular phenotype. Identifiers: MedGen CN230736.

Allele frequency attached by ClinVar (database versions not stated): TOPMed 0.00001.
gnomAD v4.1: 8 of 1,523,578 alleles (0.00053%); highest among the groups gnomAD compares: Non-Finnish European, 0.0007%; no homozygotes.

Submissions (2):

Ambry Genetics
Classification: Uncertain significance for Cardiovascular phenotype. Last evaluated: 2024-01-27. Review status: criteria provided, single submitter. Criteria: Ambry Variant Classification Scheme 2023. Collection method: clinical testing. Allele origin: germline.
Comment: The p.G15S variant (also known as c.43G>A), located in coding exon 1 of the RBM20 gene, results from a G to A substitution at nucleotide position 43. The glycine at codon 15 is replaced by serine, an amino acid with similar properties. This amino acid position is conserved. In addition, the in silico prediction for this alteration is inconclusive. Based on the available evidence, the clinical significance of this alteration remains unclear.

Labcorp Genetics (formerly Invitae), Labcorp
Classification: Uncertain significance for Dilated cardiomyopathy 1DD. Last evaluated: 2017-02-13. Review status: criteria provided, single submitter. Criteria: Invitae Variant Classification Sherloc (09022015). Collection method: clinical testing. Allele origin: germline.
Comment: While this variant is not present in population databases (no rsID), the frequency information is unreliable, as metrics indicate poor data quality at this position in the ExAC database. This variant has not been reported in the literature in individuals with a RBM20-related disease. Algorithms developed to predict the effect of missense changes on protein structure and function do not agree on the potential impact of this missense change (SIFT: "Not Scored"; PolyPhen-2: "Possibly Damaging"; Align-GVGD: "Class C0"). In summary, this variant is a novel missense change with uncertain impact on protein function. It has been classified as a Variant of Uncertain Significance. This sequence change replaces glycine with serine at codon 15 of the RBM20 protein (p.Gly15Ser). The glycine residue is weakly conserved and there is a small physicochemical difference between glycine and serine.